The following is an entry in ClinVar:

NM_003803.4(MYOM1):c.4451A>G (p.Tyr1484Cys)

Gene: MYOM1 (myomesin 1; minus strand). Cytogenetic location: 18p11.31.
Variant type: single nucleotide variant.
Coding change: c.4451A>G on transcript NM_003803.4 (MANE Select); coding-DNA position 4451, A replaced by G.
Protein change: p.Tyr1484Cys; replaces tyrosine 1484 with cysteine.
Molecular consequence: missense variant.
Genome position (GRCh38, 1-based): chr18:3,083,822, T>C on the plus strand (A>G on the coding strand, the complement: MYOM1 is on the minus strand). VCF-style: chr18-3083822-T-C. GRCh37 (hg19) VCF-style: chr18-3083820-T-C.
Other names: c.4163A>G, p.Tyr1388Cys (NM_019856.2); short protein forms Y1388C, Y1484C.
Identifiers: ClinVar variation 4749684 (VCV004749684.1).

ClinVar aggregate classification (germline): Uncertain significance (1 of 4 stars; one submission).

Conditions:
Hypertrophic cardiomyopathy. Also called: HYPERTROPHIC MYOCARDIOPATHY. Identifiers: Orphanet 217569, MedGen C0007194, MeSH D002312, MONDO:0005045, HP:0001639.

gnomAD v4.1: 3 of 1,578,870 alleles (0.00019%); highest among the groups gnomAD compares: East Asian, 0.0023%; no homozygotes.

Submission:

Labcorp Genetics (formerly Invitae), Labcorp
Classification: Uncertain significance for Hypertrophic cardiomyopathy. Last evaluated: 2026-01-14. Review status: criteria provided, single submitter. Criteria: Invitae Variant Classification Sherloc (09022015). Collection method: clinical testing. Allele origin: germline.
Comment: This sequence change replaces tyrosine, which is neutral and polar, with cysteine, which is neutral and slightly polar, at codon 1484 of the MYOM1 protein (p.Tyr1484Cys). The frequency data for this variant in the population databases is considered unreliable, as metrics indicate poor data quality at this position in the gnomAD database. This variant has not been reported in the literature in individuals affected with MYOM1-related conditions. Invitae Evidence Modeling of protein sequence and biophysical properties (such as structural, functional, and spatial information, amino acid conservation, physicochemical variation, residue mobility, and thermodynamic stability) indicates that this missense variant is not expected to disrupt MYOM1 protein function with a negative predictive value of 80%. In summary, the available evidence is currently insufficient to determine the role of this variant in disease. Therefore, it has been classified as a Variant of Uncertain Significance.